The following is an entry in ClinVar:

NM_000092.5(COL4A4):c.4764T>G (p.Cys1588Trp)

Gene: COL4A4 (collagen type IV alpha 4 chain; minus strand). Cytogenetic location: 2q36.3.
Variant type: single nucleotide variant.
Coding change: c.4764T>G on transcript NM_000092.5 (MANE Select); coding-DNA position 4764, T replaced by G.
Protein change: p.Cys1588Trp; replaces cysteine 1588 with tryptophan.
Molecular consequence: missense variant.
Genome position (GRCh38, 1-based): chr2:227,008,063, A>C on the plus strand (T>G on the coding strand, the complement: COL4A4 is on the minus strand). VCF-style: chr2-227008063-A-C. GRCh37 (hg19) VCF-style: chr2-227872779-A-C.
Other names: short protein forms C1588W.
Identifiers: ClinVar variation 3009033 (VCV003009033.5), dbSNP rs1184642885, ClinGen allele CA351140532.
Genomic context (GRCh38, chr2:227,008,063, plus strand): 5'-GGGCACGGGACTCACCATCAGGAATGAATACCCGATCCAGAGGCTCCTCCAGGTCTGCGG[A>C]CATGGGGGGATGGACTGGTCCTGGCTGTGCACCGCCACCGCCTGGGCCGGGGCCTCGCAT-3'
Protein context (NP_000083.3, residues 1578-1598): VHSQDQSIPP[Cys1588Trp]PQTWRSLWIG

ClinVar aggregate classification (germline): Conflicting classifications of pathogenicity. Review status: criteria provided, conflicting classifications (1 of 4 stars). 4 submissions from 3 submitters: Likely pathogenic (3); Uncertain significance (1). Last evaluated 2024-12-02.

Conditions:
Alport syndrome. Also called: Hemorrhagic familial nephritis; Hemorrhagic hereditary nephritis; Congenital hereditary hematuria. Identifiers: Orphanet 63, MedGen C1567741, MONDO:0018965.
Autosomal recessive Alport syndrome (ATS2). Also called: COL4A4 Alport Syndrome and Thin Basement Membrane Nephropathy; Alport syndrome type 2; COL4A3-Related Nephropathy; ALPORT SYNDROME 2, AUTOSOMAL RECESSIVE. Identifiers: Orphanet 63, Orphanet 88919, MedGen C4746745, MONDO:0008762, OMIM 203780.
Hematuria, benign familial, 1 (BFH1). Also called: THIN MEMBRANE NEPHROPATHY. Identifiers: MedGen CN376803, MONDO:0007709, OMIM 141200.

Submissions (4):

Natera, Inc.
Classification: Likely pathogenic for Alport syndrome. Last evaluated: 2024-12-02. Review status: criteria provided, single submitter. Criteria: Natera Variant Classification Schema (03/2026). Collection method: clinical testing. Allele origin: germline.
Comment: The c.4764T>G variant in COL4A4 is a missense variant predicted to cause substitution of cysteine to tryptophan at amino acid 1588. This variant is rare in the general population with a frequency below the threshold expected for the associated phenotype(s). This variant has been observed in affected individual(s) with monoallelic occurrence (heterozygous/hemizygous) (PMID: 38317457, 37915894). This variant has been identified in one or more affected individual with a phenotype highly consistent with the associated gene (PMID: 38317457, 37915894). Computational prediction algorithms indicate this variant is likely to affect gene or protein function. Given the available evidence, this variant is classified as Likely Pathogenic.

Labcorp Genetics (formerly Invitae), Labcorp
Classification: Uncertain significance. Last evaluated: 2023-12-01. Review status: criteria provided, single submitter. Criteria: Invitae Variant Classification Sherloc (09022015). Collection method: clinical testing. Allele origin: germline.
Comment: This sequence change replaces cysteine, which is neutral and slightly polar, with tryptophan, which is neutral and slightly polar, at codon 1588 of the COL4A4 protein (p.Cys1588Trp). This variant is not present in population databases (gnomAD no frequency). This variant has not been reported in the literature in individuals affected with COL4A4-related conditions. Advanced modeling of protein sequence and biophysical properties (such as structural, functional, and spatial information, amino acid conservation, physicochemical variation, residue mobility, and thermodynamic stability) has been performed at Invitae for this missense variant, however the output from this modeling did not meet the statistical confidence thresholds required to predict the impact of this variant on COL4A4 protein function. In summary, the available evidence is currently insufficient to determine the role of this variant in disease. Therefore, it has been classified as a Variant of Uncertain Significance.

Clinical Genetics Service, Universitary Hospital 12 de Octubre
Classification: Likely pathogenic for Autosomal recessive Alport syndrome. Review status: criteria provided, single submitter. Criteria: ACMG Guidelines, 2015. Collection method: clinical testing. Allele origin: germline. Affected: yes.

Clinical Genetics Service, Universitary Hospital 12 de Octubre
Classification: Likely pathogenic for Hematuria, benign familial, 1. Review status: criteria provided, single submitter. Criteria: ACMG Guidelines, 2015. Collection method: clinical testing. Allele origin: germline. Affected: yes.

Literature cited by the submitters: PubMed 38317457 (cited by Natera, Inc.); PubMed 37915894 (cited by Natera, Inc.).